The following is an entry in ClinVar:

ClinVar aggregate classification (germline): Pathogenic (1 of 4 stars; one submission).

Submission:

Labcorp Genetics (formerly Invitae), Labcorp
Classification: Pathogenic. Last evaluated: 2023-06-29. Review status: criteria provided, single submitter. Criteria: Invitae Variant Classification Sherloc (09022015). Collection method: clinical testing. Allele origin: germline.
Comment: This variant disrupts a region of the FOXRED1 protein in which other variant(s) (p.Val421Met) have been determined to be pathogenic (PMID: 27215383, 32573669). This suggests that this is a clinically significant region of the protein, and that variants that disrupt it are likely to be disease-causing. This variant has not been reported in the literature in individuals affected with FOXRED1-related conditions. This variant is not present in population databases (gnomAD no frequency). This sequence change creates a premature translational stop signal (p.His380Metfs*14) in the FOXRED1 gene. While this is not anticipated to result in nonsense mediated decay, it is expected to disrupt the last 107 amino acid(s) of the FOXRED1 protein. For these reasons, this variant has been classified as Pathogenic.

Literature cited by the submitters: PubMed 27215383; PubMed 32573669.

NM_017547.4(FOXRED1):c.1138del (p.His380fs)

Gene: FOXRED1 (FAD dependent oxidoreductase domain containing 1; plus strand). Cytogenetic location: 11q24.2.
Variant type: Deletion.
Coding change: c.1138del on transcript NM_017547.4 (MANE Select); coding-DNA position 1138, one base deleted (C; older notation c.1138delC).
Protein change: p.His380fs; shifts the reading frame from histidine 380.
Molecular consequence: frameshift variant. On other transcripts: non-coding transcript variant (2).
Genome position (GRCh38, 1-based): chr11:126,277,107, C deleted; the last of 2 consecutive C bases (chr11:126,277,106-126,277,107); deleting either gives the same sequence. VCF-style (leftmost placement, unchanged base first): chr11-126277105-AC-A. GRCh37 (hg19) VCF-style: chr11-126147000-AC-A.
Other names: c.1168delC, p.His390Metfs (NM_001425160.1); c.1138delC, p.His380Metfs (NM_001425161.1, NM_001425165.1, NM_001425166.1); c.1135delC, p.His379Metfs (NM_001425163.1, NM_001425164.1); c.1036delC, p.His346Metfs (NM_001425167.1); c.628delC, p.His210Metfs (NM_001425168.1, NM_001425169.1, NM_001425170.1); c.577delC, p.His193Metfs (NM_001425171.1, NM_001425172.1); c.505delC, p.His169Metfs (NM_001425173.1, NM_001425174.1); c.502delC, p.His168Metfs (NM_001425175.1); short protein forms H380fs.
Identifiers: ClinVar variation 2830845 (VCV002830845.3), dbSNP rs1951175181, ClinGen allele CA943265081.
Genomic context (GRCh38, chr11:126,277,105, plus strand): 5'-AGCGTTGTCCCCACCTCTCACTCCAGCAGGAAGAACCGGACCCGGCGAACCTGGAAGTGG[AC>A]CATGATTTCTTCCAGGACAAGGTGTGGCCCCATTTGGCCCTGAGGGTCCCAGCTTTTGAG-3'